The following is an entry in ClinVar:

ClinVar aggregate classification (germline): Pathogenic (1 of 4 stars; one submission).

Conditions:
Idiopathic basal ganglia calcification 1 (PFBC1A). Also called: Fahr's syndrome; Cerebral calcification nonarteriosclerotic idiopathic adult-onset; Striopallidodentate calcinosis autosomal dominant adult-onset; Ferrocalcinosis, cerebrovascular; Fahr disease, familial (formerly); Familial Idiopathic Basal Ganglia Calcification 3. Identifiers: Orphanet 1980, MedGen C4551624, MONDO:0024538, OMIM 213600.

Submission:

Women's Health and Genetics/Laboratory Corporation of America, LabCorp
Classification: Pathogenic for Idiopathic basal ganglia calcification 1. Last evaluated: 2024-06-17. Review status: criteria provided, single submitter. Criteria: LabCorp Variant Classification Summary - May 2015. Collection method: clinical testing. Allele origin: germline.
Comment: Variant summary: SLC20A2 c.649delC (p.Leu217SerfsX26) results in a premature termination codon, predicted to cause a truncation of the encoded protein or absence of the protein due to nonsense mediated decay, which are commonly known mechanisms for disease. The variant was absent in 251402 control chromosomes. To our knowledge, no occurrence of c.649delC in individuals affected with Idiopathic Basal Ganglia Calcification 1 and no experimental evidence demonstrating its impact on protein function have been reported. No submitters have cited clinical-significance assessments for this variant to ClinVar. Based on the evidence outlined above, the variant was classified as pathogenic.

NM_001257180.2(SLC20A2):c.649del (p.Leu217fs)

Gene: SLC20A2 (solute carrier family 20 member 2; minus strand). Cytogenetic location: 8p11.21.
Variant type: Deletion.
Coding change: c.649del on transcript NM_001257180.2 (MANE Select); coding-DNA position 649, one base deleted (C; older notation c.649delC).
Protein change: p.Leu217fs; shifts the reading frame from leucine 217.
Molecular consequence: frameshift variant.
Genome position (GRCh38, 1-based): chr8:42,444,727, G deleted on the plus strand (C on the coding strand, the reverse complement: SLC20A2 is on the minus strand); the first of 3 consecutive G bases (chr8:42,444,727-42,444,729); deleting any one gives the same sequence. VCF-style (leftmost placement, unchanged base first): chr8-42444726-AG-A. GRCh37 (hg19) VCF-style: chr8-42302244-AG-A.
Other names: c.649del, p.Leu217fs (NM_001257181.2, NM_006749.5); c.649delC (NM_006749.5); short protein forms L217fs.
Identifiers: ClinVar variation 3340043 (VCV003340043.1).